The following is an entry in ClinVar:

ClinVar aggregate classification (germline): Likely benign (1 of 4 stars; one submission).

Conditions:
AP1B1-related disorder. Also called: AP1B1-related condition.

gnomAD v4.1: 124 of 1,613,908 alleles (0.0077%); highest among the groups gnomAD compares: Admixed American, 0.012%; no homozygotes.

Submissions (2):

PreventionGenetics, part of Exact Sciences
Classification: Likely benign for AP1B1-related condition. Last evaluated: 2024-10-13. Review status: criteria provided, single submitter. Criteria: ACMG Guidelines, 2015. Collection method: clinical testing. Allele origin: germline.
Comment: This variant is classified as likely benign based on ACMG/AMP sequence variant interpretation guidelines (Richards et al. 2015 PMID: 25741868, with internal and published modifications).

Dr. Peter K. Rogan Lab, Western University
No classification provided (evidence only). Condition: Colorectal cancer. Review status: no classification provided. Collection method: in vitro. Allele origin: not applicable. Functional consequence: retained intron. Not counted in ClinVar's aggregate classification.

NM_001127.4(AP1B1):c.1359C>T (p.Gly453=)

Gene: AP1B1 (adaptor related protein complex 1 subunit beta 1; minus strand). Cytogenetic location: 22q12.2.
Variant type: single nucleotide variant.
Coding change: c.1359C>T on transcript NM_001127.4 (MANE Select); coding-DNA position 1359, C replaced by T.
Protein change: p.Gly453=; no amino-acid change (glycine 453 retained).
Molecular consequence: synonymous variant.
Genome position (GRCh38, 1-based): chr22:29,349,296, G>A on the plus strand (C>T on the coding strand, the complement: AP1B1 is on the minus strand). VCF-style: chr22-29349296-G-A. GRCh37 (hg19) VCF-style: chr22-29745285-G-A.
Other names: NC_000022.10:g.29745285G>A; c.1359C>T, p.Gly453= (NM_001166019.2, NM_001378562.1, NM_001378563.1 and 2 more transcripts); c.1188C>T, p.Gly396= (NM_001378564.1, NM_001378565.1); c.1359C>T (NM_001127.3).
Identifiers: ClinVar variation 4457232 (VCV004457232.2).